The following is an entry in ClinVar:

ClinVar aggregate classification (germline): Pathogenic (1 of 4 stars; one submission).

Conditions:
Mucopolysaccharidosis type 1. Also called: IDUA deficiency; MPS I; Mucopolysaccharidosis Type I. Identifiers: Orphanet 579, MedGen C0023786, MONDO:0001586.

Submission:

Myriad Genetics, Inc.
Classification: Pathogenic for Mucopolysaccharidosis type 1. Last evaluated: 2023-08-22. Review status: criteria provided, single submitter. Criteria: Myriad Autosomal Dominant, Autosomal Recessive and X-Linked Classification Criteria (2023). Collection method: clinical testing. Allele origin: unknown.
Comment: NM_000203.3(IDUA):c.945del1ins20(D315Efs*90) is expected to be pathogenic in the context of mucopolysaccharidosis type I. This variant is predicted to lead to an abnormal or absent protein product due to the creation of a premature termination codon in IDUA, a gene where loss-of-function variants are known to be pathogenic. Please note: this variant was assessed in the context of healthy population screening.

NM_000203.5(IDUA):c.945delinsACTGTCTCTTATACACATCT (p.Asp315fs)

Gene: IDUA (alpha-L-iduronidase; plus strand). Cytogenetic location: 4p16.3.
Variant type: Indel.
Coding change: c.945delinsACTGTCTCTTATACACATCT on transcript NM_000203.5 (MANE Select); coding-DNA position 945, C replaced by ACTGTCTCTTATACACATCT.
Protein change: p.Asp315fs; shifts the reading frame from aspartic acid 315.
Molecular consequence: frameshift variant. On other transcripts: non-coding transcript variant (1).
Genome position (GRCh38, 1-based): chr4:1,002,134, C replaced by ACTGTCTCTTATACACATCT. VCF-style: chr4-1002134-C-ACTGTCTCTTATACACATCT. GRCh37 (hg19) VCF-style: chr4-995922-C-ACTGTCTCTTATACACATCT.
Other names: c.549delinsACTGTCTCTTATACACATCT, p.Asp183fs (NM_001363576.1); short protein forms D183fs, D315fs.
Identifiers: ClinVar variation 5011457 (VCV005011457.1).